The following is an entry in ClinVar:

NM_018451.5(CPAP):c.3945_3946dup (p.Thr1316fs)

Genes: CPAP (centrosome assembly and centriole elongation protein; minus strand), RNF17 (ring finger protein 17; plus strand). Cytogenetic location: 13q12.12.
Variant type: Duplication.
Coding change: c.3945_3946dup on transcript NM_018451.5 (MANE Select); coding-DNA positions 3945 to 3946, 2 bases duplicated (AA; older notation c.3945_3946dupAA).
Protein change: p.Thr1316fs; shifts the reading frame from threonine 1316.
Molecular consequence: frameshift variant. On other transcripts: non-coding transcript variant (2).
Genome position (GRCh38, 1-based): chr13:24,883,248-24,883,249, TT duplicated on the plus strand (AA on the coding strand, the reverse complement: CPAP is on the minus strand); duplicating any 2 consecutive bases within chr13:24,883,248-24,883,250 gives the same sequence; the c. name uses the placement nearest the transcript's 3' end. VCF-style (leftmost placement, unchanged base first): chr13-24883247-G-GTT. GRCh37 (hg19) VCF-style: chr13-25457385-G-GTT.
Other names: short protein forms T1316fs.
Identifiers: ClinVar variation 1363142 (VCV001363142.6), dbSNP rs2138522576, ClinGen allele CA2573149174.
Genomic context (GRCh38, chr13:24,883,247, plus strand): 5'-GTGTCCATTAGCACATTACCCTCCTTGTCCTTAACTCTTATCCGACCGGATCTGTACTTC[G>GTT]TTTCTTGATGACCGTTTGCATATACGGTTTTAACAGTGCCATCTGGGTATTCCCGTCTCT-3'

ClinVar aggregate classification (germline): Uncertain significance (1 of 4 stars; one submission).

Submission:

Labcorp Genetics (formerly Invitae), Labcorp
Classification: Uncertain significance. Last evaluated: 2021-07-14. Review status: criteria provided, single submitter. Criteria: Invitae Variant Classification Sherloc (09022015). Collection method: clinical testing. Allele origin: germline.
Comment: Experimental studies and prediction algorithms are not available or were not evaluated, and the functional significance of this variant is currently unknown. In summary, the available evidence is currently insufficient to determine the role of this variant in disease. Therefore, it has been classified as a Variant of Uncertain Significance. This variant has not been reported in the literature in individuals affected with CENPJ-related conditions. This variant is not present in population databases (ExAC no frequency). This sequence change creates a premature translational stop signal (p.Thr1316Lysfs*9) in the CENPJ gene. While this is not anticipated to result in nonsense mediated decay, it is expected to disrupt the last 23 amino acid(s) of the CENPJ protein.